The following is an entry in ClinVar:

NM_001458.5(FLNC):c.2665C>T (p.His889Tyr)

Gene: FLNC (filamin C; plus strand). Cytogenetic location: 7q32.1.
Variant type: single nucleotide variant.
Coding change: c.2665C>T on transcript NM_001458.5 (MANE Select); coding-DNA position 2665, C replaced by T.
Protein change: p.His889Tyr; replaces histidine 889 with tyrosine.
Molecular consequence: missense variant.
Genome position (GRCh38, 1-based): chr7:128,843,431, C>T. VCF-style: chr7-128843431-C-T. GRCh37 (hg19) VCF-style: chr7-128483485-C-T.
Other names: c.2665C>T, p.His889Tyr (NM_001127487.2); short protein forms H889Y.
Identifiers: ClinVar variation 2565499 (VCV002565499.4), dbSNP rs2536633696, ClinGen allele CA369192826.

ClinVar aggregate classification (germline): Uncertain significance. Review status: criteria provided, multiple submitters, no conflicts (2 of 4 stars). 2 submissions from 2 submitters: Uncertain significance (2). Last evaluated 2025-07-28.

Conditions:
Cardiovascular phenotype. Identifiers: MedGen CN230736.

Allele frequency attached by ClinVar (database versions not stated): gnomAD exomes 0.00001.
gnomAD v4.1: 8 of 1,614,080 alleles (0.0005%); highest among the groups gnomAD compares: Non-Finnish European, 0.00059%; no homozygotes.

Submissions (2):

Ambry Genetics
Classification: Uncertain significance for Cardiovascular phenotype. Last evaluated: 2025-07-28. Review status: criteria provided, single submitter. Criteria: Ambry Variant Classification Scheme 2023. Collection method: clinical testing. Allele origin: germline.
Comment: The p.H889Y variant (also known as c.2665C>T), located in coding exon 18 of the FLNC gene, results from a C to T substitution at nucleotide position 2665. The histidine at codon 889 is replaced by tyrosine, an amino acid with similar properties. This amino acid position is conserved. In addition, the in silico prediction for this alteration is inconclusive. Since supporting evidence is limited at this time, the clinical significance of this alteration remains unclear.

Blueprint Genetics
Classification: Uncertain significance. Last evaluated: 2019-11-25. Review status: criteria provided, single submitter. Criteria: ACMG Guidelines, 2015. Collection method: clinical testing. Allele origin: germline.